The following is an entry in ClinVar:

NM_021076.4(NEFH):c.1199C>T (p.Ala400Val)

Gene: NEFH (neurofilament heavy chain; plus strand). Cytogenetic location: 22q12.2.
Variant type: single nucleotide variant.
Coding change: c.1199C>T on transcript NM_021076.4 (MANE Select); coding-DNA position 1199, C replaced by T.
Protein change: p.Ala400Val; replaces alanine 400 with valine.
Molecular consequence: missense variant.
Genome position (GRCh38, 1-based): chr22:29,485,838, C>T. VCF-style: chr22-29485838-C-T. GRCh37 (hg19) VCF-style: chr22-29881827-C-T.
Other names: short protein forms A400V.
Identifiers: ClinVar variation 2389175 (VCV002389175.5), dbSNP rs757021413, ClinGen allele CA10174141.

ClinVar aggregate classification (germline): Conflicting classifications of pathogenicity. Review status: criteria provided, conflicting classifications (1 of 4 stars). 2 submissions from 2 submitters: Uncertain significance (1); Likely benign (1). Last evaluated 2023-07-15.

Conditions:
Inborn genetic diseases. Identifiers: MedGen C0950123, MeSH D030342.

Allele frequency attached by ClinVar (database versions not stated): gnomAD exomes 0.00001; ExAC 0.00002; TOPMed 0.00002; gnomAD 0.00003.
gnomAD v4.1: 21 of 1,614,026 alleles (0.0013%); highest among the groups gnomAD compares: East Asian, 0.013%; no homozygotes.

Submissions (2):

Labcorp Genetics (formerly Invitae), Labcorp
Classification: Uncertain significance. Last evaluated: 2023-07-15. Review status: criteria provided, single submitter. Criteria: Invitae Variant Classification Sherloc (09022015). Collection method: clinical testing. Allele origin: germline.
Comment: In summary, the available evidence is currently insufficient to determine the role of this variant in disease. Therefore, it has been classified as a Variant of Uncertain Significance. Advanced modeling of protein sequence and biophysical properties (such as structural, functional, and spatial information, amino acid conservation, physicochemical variation, residue mobility, and thermodynamic stability) performed at Invitae indicates that this missense variant is expected to disrupt NEFH protein function. ClinVar contains an entry for this variant (Variation ID: 2389175). This variant has not been reported in the literature in individuals affected with NEFH-related conditions. This variant is present in population databases (rs757021413, gnomAD 0.03%). This sequence change replaces alanine, which is neutral and non-polar, with valine, which is neutral and non-polar, at codon 400 of the NEFH protein (p.Ala400Val).

Ambry Genetics
Classification: Likely benign for Inborn genetic diseases. Last evaluated: 2022-12-19. Review status: criteria provided, single submitter. Criteria: Ambry Variant Classification Scheme 2023. Collection method: clinical testing. Allele origin: germline.